The following is an entry in ClinVar:

ClinVar aggregate classification (germline): Uncertain significance (1 of 4 stars; one submission).

Allele frequency attached by ClinVar (database versions not stated): gnomAD exomes below 0.00001.
gnomAD v4.1: 2 of 1,613,956 alleles (0.00012%); highest among the groups gnomAD compares: Non-Finnish European, 0.00017%; no homozygotes.

Submission:

CeGaT Center for Human Genetics Tuebingen
Classification: Uncertain significance. Last evaluated: 2022-10-01. Review status: criteria provided, single submitter. Criteria: CeGaT Center For Human Genetics Tuebingen Variant Classification Criteria Version 2. Collection method: clinical testing. Allele origin: germline. Affected: yes. Observed: 1 variant allele.
Comment: COQ8A: PM2

NM_020247.5(COQ8A):c.1802C>T (p.Pro601Leu)

Gene: COQ8A (coenzyme Q8A; plus strand). Cytogenetic location: 1q42.13.
Variant type: single nucleotide variant.
Coding change: c.1802C>T on transcript NM_020247.5 (MANE Select); coding-DNA position 1802, C replaced by T.
Protein change: p.Pro601Leu; replaces proline 601 with leucine.
Molecular consequence: missense variant.
Genome position (GRCh38, 1-based): chr1:226,986,595, C>T. VCF-style: chr1-226986595-C-T. GRCh37 (hg19) VCF-style: chr1-227174296-C-T.
Other names: short protein forms P601L.
Identifiers: ClinVar variation 1879114 (VCV001879114.29), dbSNP rs1349164944, ClinGen allele CA345056960.
Genomic context (GRCh38, chr1:226,986,595, plus strand): 5'-AGAGCACCACCGAGAAGATCCACAACCTGATTCCCGTCATGCTGAGGCACCGTCTCGTCC[C>T]CCCACCCGAGGAAACCTACTCCCTGCACAGGAAGATGGGGGGCTCCTTCCTCATCTGCTC-3'
Protein context (NP_064632.2, residues 591-611): IPVMLRHRLV[Pro601Leu]PPEETYSLHR